The following is an entry in ClinVar:

ClinVar aggregate classification (germline): Likely pathogenic (1 of 4 stars; one submission).

Conditions:
Immunodeficiency 23 (IMD23). Also called: IMMUNODEFICIENCY WITH HYPER IgE AND COGNITIVE IMPAIRMENT; IMMUNODEFICIENCY-VASCULITIS-MYOCLONUS SYNDROME. Identifiers: Orphanet 443811, MedGen C4014371, MONDO:0014353, OMIM 615816.

Submission:

Labcorp Genetics (formerly Invitae), Labcorp
Classification: Likely pathogenic for Immunodeficiency 23. Last evaluated: 2019-09-18. Review status: criteria provided, single submitter. Criteria: Invitae Variant Classification Sherloc (09022015). Collection method: clinical testing. Allele origin: germline.
Comment: In summary, the currently available evidence indicates that the variant is pathogenic, but additional data are needed to prove that conclusively. Therefore, this variant has been classified as Likely Pathogenic. Donor and acceptor splice site variants typically lead to a loss of protein function (PMID: 16199547), and loss-of-function variants in PGM3 are known to be pathogenic (PMID: 17548465, 24589341, 24931394). Algorithms developed to predict the effect of sequence changes on RNA splicing suggest that this variant may disrupt the consensus splice site, but this prediction has not been confirmed by published transcriptional studies. This variant has not been reported in the literature in individuals with PGM3-related conditions. This variant is not present in population databases (ExAC no frequency). This sequence change affects an acceptor splice site in intron 7 of the PGM3 gene. It is expected to disrupt RNA splicing and likely results in an absent or disrupted protein product.

Literature cited by the submitters: PubMed 16199547; PubMed 17548465; PubMed 24589341; PubMed 24931394.

NM_015599.3(PGM3):c.788-2A>G

Gene: PGM3 (phosphoglucomutase 3; minus strand). Cytogenetic location: 6q14.1.
Variant type: single nucleotide variant.
Coding change: c.788-2A>G on transcript NM_015599.3 (MANE Select); the canonical splice acceptor site of the intron before coding-DNA position 788, A replaced by G.
Molecular consequence: splice acceptor variant.
Genome position (GRCh38, 1-based): chr6:83,179,969, T>C on the plus strand (A>G on the coding strand, the complement: PGM3 is on the minus strand). VCF-style: chr6-83179969-T-C. GRCh37 (hg19) VCF-style: chr6-83889688-T-C.
Other names: c.872-2A>G (NM_001199917.2, NM_001367287.1); c.545-2A>G (NM_001199918.2); c.788-2A>G (NM_001367286.1, NM_001199919.2).
Identifiers: ClinVar variation 958912 (VCV000958912.8), dbSNP rs1788056577, ClinGen allele CA364881785.